The following is an entry in ClinVar:

ClinVar aggregate classification (germline): Uncertain significance. Review status: criteria provided, multiple submitters, no conflicts (2 of 4 stars). 2 submissions from 2 submitters: Uncertain significance (2). Last evaluated 2024-01-23.

Conditions:
Mucolipidosis type II. Also called: Mucolipidosis 2; ML 2; Inclusion cell disease; Leroy Disease; N-acetylglucosamine 1phosphotransferase deficiency; ML disorder type 2. Identifiers: Orphanet 576, MedGen C2673377, MONDO:0009650, OMIM 252500.
Pseudo-Hurler polydystrophy. Also called: ML IIIA; Mucolipidosis III Alpha/Beta; MUCOLIPIDOSIS IIIA; ML III; ML III ALPHA/BETA; Type III Mucolipidosis. Identifiers: Orphanet 423461, Orphanet 577, MedGen C0033788, MONDO:0018931, OMIM 252600.
Inborn genetic diseases. Identifiers: MedGen C0950123, MeSH D030342.

Allele frequency attached by ClinVar (database versions not stated): gnomAD 0.00001; TOPMed 0.00002; ExAC 0.00007.
gnomAD v4.1: 24 of 1,613,900 alleles (0.0015%); highest among the groups gnomAD compares: Admixed American, 0.02%; no homozygotes.

Submissions (2):

Ambry Genetics
Classification: Uncertain significance for Inborn genetic diseases. Last evaluated: 2024-01-23. Review status: criteria provided, single submitter. Criteria: Ambry Variant Classification Scheme 2023. Collection method: clinical testing. Allele origin: germline.

Labcorp Genetics (formerly Invitae), Labcorp
Classification: Uncertain significance for Pseudo-Hurler polydystrophy; Mucolipidosis type II. Last evaluated: 2022-04-25. Review status: criteria provided, single submitter. Criteria: Invitae Variant Classification Sherloc (09022015). Collection method: clinical testing. Allele origin: germline.
Comment: This sequence change replaces proline, which is neutral and non-polar, with leucine, which is neutral and non-polar, at codon 74 of the GNPTAB protein (p.Pro74Leu). This variant is present in population databases (rs751701012, gnomAD 0.03%). This variant has not been reported in the literature in individuals affected with GNPTAB-related conditions. Advanced modeling of protein sequence and biophysical properties (such as structural, functional, and spatial information, amino acid conservation, physicochemical variation, residue mobility, and thermodynamic stability) performed at Invitae indicates that this missense variant is expected to disrupt GNPTAB protein function. In summary, the available evidence is currently insufficient to determine the role of this variant in disease. Therefore, it has been classified as a Variant of Uncertain Significance.

NM_024312.5(GNPTAB):c.221C>T (p.Pro74Leu)

Gene: GNPTAB (N-acetylglucosamine-1-phosphate transferase subunits alpha and beta; minus strand). Cytogenetic location: 12q23.2.
Variant type: single nucleotide variant.
Coding change: c.221C>T on transcript NM_024312.5 (MANE Select); coding-DNA position 221, C replaced by T.
Protein change: p.Pro74Leu; replaces proline 74 with leucine.
Molecular consequence: missense variant.
Genome position (GRCh38, 1-based): chr12:101,790,040, G>A on the plus strand (C>T on the coding strand, the complement: GNPTAB is on the minus strand). VCF-style: chr12-101790040-G-A. GRCh37 (hg19) VCF-style: chr12-102183818-G-A.
Other names: c.221C>T (NM_024312.4); short protein forms P74L.
Identifiers: ClinVar variation 2193490 (VCV002193490.2), dbSNP rs751701012, ClinGen allele CA6746952.